The following is an entry in ClinVar:

ClinVar aggregate classification (germline): Likely benign (0 of 4 stars; one submission).

Conditions:
ADRA2C-related disorder. Also called: ADRA2C-related condition.

Allele frequency attached by ClinVar (database versions not stated): gnomAD exomes 0.00015; ExAC 0.00064; gnomAD 0.00147; ESP Exome Variant Server 0.00208; TOPMed 0.00223; 1000 Genomes Project 0.00280; 1000 Genomes Project 30x 0.00390.
gnomAD v4.1: 462 of 1,610,450 alleles (0.029%); highest among the groups gnomAD compares: African/African-American, 0.46%; 2 homozygotes.

Submission:

PreventionGenetics, part of Exact Sciences
Classification: Likely benign for ADRA2C-related condition. Last evaluated: 2019-09-30. Review status: no assertion criteria provided. Collection method: clinical testing. Allele origin: germline.
Comment: This variant is classified as likely benign based on ACMG/AMP sequence variant interpretation guidelines (Richards et al. 2015 PMID: 25741868, with internal and published modifications).

NM_000683.4(ADRA2C):c.312C>A (p.Val104=)

Gene: ADRA2C (adrenoceptor alpha 2C; plus strand). Cytogenetic location: 4p16.3.
Variant type: single nucleotide variant.
Coding change: c.312C>A on transcript NM_000683.4 (MANE Select); coding-DNA position 312, C replaced by A.
Protein change: p.Val104=; no amino-acid change (valine 104 retained).
Molecular consequence: synonymous variant.
Genome position (GRCh38, 1-based): chr4:3,766,918, C>A. VCF-style: chr4-3766918-C-A. GRCh37 (hg19) VCF-style: chr4-3768645-C-A.
Identifiers: ClinVar variation 3040787 (VCV003040787.2), dbSNP rs146370385, ClinGen allele CA2830267.
Genomic context (GRCh38, chr4:3,766,918, plus strand): 5'-GCCACAGAACCTCTTCCTGGTGTCGCTGGCCTCGGCCGACATCCTGGTGGCCACGCTGGT[C>A]ATGCCCTTCTCGTTGGCCAACGAGCTCATGGCCTACTGGTACTTCGGGCAGGTGTGGTGC-3'
Protein context (NP_000674.2, residues 94-114): ASADILVATL[Val104=]MPFSLANELM